The following is an entry in ClinVar:

ClinVar aggregate classification (germline): Uncertain significance (1 of 4 stars; one submission).

Conditions:
Hereditary cancer-predisposing syndrome. Also called: Neoplastic Syndromes, Hereditary; Tumor predisposition; Hereditary neoplastic syndrome; Hereditary Cancer Syndrome. Identifiers: Orphanet 140162, MedGen C0027672, MeSH D009386, MONDO:0015356.

Submission:

Ambry Genetics
Classification: Uncertain significance for Hereditary cancer-predisposing syndrome. Last evaluated: 2022-12-01. Review status: criteria provided, single submitter. Criteria: Ambry Variant Classification Scheme 2023. Collection method: clinical testing. Allele origin: germline.
Comment: The p.P67S variant (also known as c.199C>T), located in coding exon 1 of the MEN1 gene, results from a C to T substitution at nucleotide position 199. The proline at codon 67 is replaced by serine, an amino acid with similar properties. This alteration was identified in an individual referred for MEN1 testing. This individual also carries an MEN1 frameshift alteration (Tham E et al. J Clin Endocrinol Metab, 2007 Sep;92:3389-95). This amino acid position is well conserved in available vertebrate species. In addition, the in silico prediction for this alteration is inconclusive. Since supporting evidence is limited at this time, the clinical significance of this alteration remains unclear.

Literature cited by the submitters: PubMed 17623761.

NM_001370259.2(MEN1):c.199C>T (p.Pro67Ser)

Gene: MEN1 (menin 1; minus strand). Cytogenetic location: 11q13.1.
Variant type: single nucleotide variant.
Coding change: c.199C>T on transcript NM_001370259.2 (MANE Select); coding-DNA position 199, C replaced by T.
Protein change: p.Pro67Ser; replaces proline 67 with serine.
Molecular consequence: missense variant. On other transcripts: non-coding transcript variant (4).
Genome position (GRCh38, 1-based): chr11:64,809,911, G>A on the plus strand (C>T on the coding strand, the complement: MEN1 is on the minus strand). VCF-style: chr11-64809911-G-A. GRCh37 (hg19) VCF-style: chr11-64577383-G-A.
Other names: c.199C>T, p.Pro67Ser (NM_000244.4, NM_001370251.2, NM_001370260.2 and 20 more transcripts); short protein forms P67S.
Identifiers: ClinVar variation 2450213 (VCV002450213.2), dbSNP rs2136189920, ClinGen allele CA381187662.